The following is an entry in ClinVar:

NM_005585.5(SMAD6):c.403G>T (p.Ala135Ser)

Gene: SMAD6 (SMAD family member 6; plus strand). Cytogenetic location: 15q22.31.
Variant type: single nucleotide variant.
Coding change: c.403G>T on transcript NM_005585.5 (MANE Select); coding-DNA position 403, G replaced by T.
Protein change: p.Ala135Ser; replaces alanine 135 with serine.
Molecular consequence: missense variant. On other transcripts: non-coding transcript variant (1).
Genome position (GRCh38, 1-based): chr15:66,703,661, G>T. VCF-style: chr15-66703661-G-T. GRCh37 (hg19) VCF-style: chr15-66995999-G-T.
Other names: short protein forms A135S.
Identifiers: ClinVar variation 4864717 (VCV004864717.1).

ClinVar aggregate classification (germline): Uncertain significance (1 of 4 stars; one submission).

Conditions:
Inborn genetic diseases. Identifiers: MedGen C0950123, MeSH D030342.

Submission:

Ambry Genetics
Classification: Uncertain significance for Inborn genetic diseases. Last evaluated: 2026-04-09. Review status: criteria provided, single submitter. Criteria: Ambry Variant Classification Scheme 2023. Collection method: clinical testing. Allele origin: germline.
Comment: The p.A135S variant (also known as c.403G>T), located in coding exon 1 of the SMAD6 gene, results from a G to T substitution at nucleotide position 403. The alanine at codon 135 is replaced by serine, an amino acid with similar properties. This amino acid position is conserved. In addition, this alteration is predicted to be tolerated by in silico analysis. Based on the available evidence, the clinical significance of this variant remains unclear.